The following is an entry in ClinVar:

NM_001365536.1(SCN9A):c.1177C>T (p.Leu393=)

Genes: SCN1A-AS1 (SCN1A and SCN9A antisense RNA 1; plus strand), SCN9A (sodium voltage-gated channel alpha subunit 9; minus strand). Cytogenetic location: 2q24.3.
Variant type: single nucleotide variant.
Coding change: c.1177C>T on transcript NM_001365536.1 (MANE Select); coding-DNA position 1177, C replaced by T.
Protein change: p.Leu393=; no amino-acid change (leucine 393 retained).
Molecular consequence: synonymous variant.
Genome position (GRCh38, 1-based): chr2:166,288,574, G>A on the plus strand (C>T on the coding strand, the complement: SCN9A is on the minus strand). VCF-style: chr2-166288574-G-A. GRCh37 (hg19) VCF-style: chr2-167145084-G-A.
Other names: c.1177C>T, p.Leu393= (NM_002977.4).
Identifiers: ClinVar variation 285905 (VCV000285905.20), dbSNP rs184773311, ClinGen allele CA1944570.

ClinVar aggregate classification (germline): Conflicting classifications of pathogenicity. Review status: criteria provided, conflicting classifications (1 of 4 stars). 6 submissions from 6 submitters: Uncertain significance (1); Likely benign (4). 1 of the submissions does not count toward it. Last evaluated 2026-01-15.

Conditions:
Generalized epilepsy with febrile seizures plus, type 7 (GEFSP7). Also called: GEFS+, TYPE 7. Identifiers: Orphanet 36387, MedGen C2751778, MONDO:0013470, OMIM 613863.
Neuropathy, hereditary sensory and autonomic, type 2A (HSAN2A). Also called: MORVAN DISEASE; NEUROPATHY, CONGENITAL SENSORY; NEUROPATHY, HEREDITARY SENSORY RADICULAR, AUTOSOMAL RECESSIVE; NEUROPATHY, HEREDITARY SENSORY, TYPE IIA; NEUROPATHY, PROGRESSIVE SENSORY, OF CHILDREN; HSAN IIA. Identifiers: Orphanet 970, MedGen C2752089, MONDO:0024309, OMIM 201300.
SCN9A-related disorder. Also called: SCN9A-related disorders; SCN9A-related condition.
Inborn genetic diseases. Identifiers: MedGen C0950123, MeSH D030342.

Allele frequency attached by ClinVar (database versions not stated): 1000 Genomes Project 30x 0.00016; ExAC 0.00017; gnomAD 0.00017 and 0.00018; TOPMed 0.00019; 1000 Genomes Project 0.00020; gnomAD exomes 0.00021 and 0.00027; ESP Exome Variant Server 0.00050.
gnomAD v4.1: 426 of 1,612,220 alleles (0.026%); highest among the groups gnomAD compares: Middle Eastern, 0.23%; 2 homozygotes.

Submissions (6):

Labcorp Genetics (formerly Invitae), Labcorp
Classification: Likely benign for Neuropathy, hereditary sensory and autonomic, type 2A; Generalized epilepsy with febrile seizures plus, type 7. Last evaluated: 2026-01-15. Review status: criteria provided, single submitter. Criteria: Invitae Variant Classification Sherloc (09022015). Collection method: clinical testing. Allele origin: germline.

Blueprint Genetics
Classification: Likely benign. Last evaluated: 2024-10-14. Review status: criteria provided, single submitter. Criteria: ACMG Guidelines, 2015. Collection method: clinical testing. Allele origin: germline.

Ambry Genetics
Classification: Likely benign for Inborn genetic diseases. Last evaluated: 2019-07-11. Review status: criteria provided, single submitter. Criteria: Ambry Variant Classification Scheme 2023. Collection method: clinical testing. Allele origin: germline.

GeneDx
Classification: Likely benign. Last evaluated: 2016-12-23. Review status: criteria provided, single submitter. Criteria: GeneDx Variant Classification (06012015). Collection method: clinical testing. Allele origin: germline. Affected: yes.
Comment: This variant is considered likely benign or benign based on one or more of the following criteria: it is a conservative change, it occurs at a poorly conserved position in the protein, it is predicted to be benign by multiple in silico algorithms, and/or has population frequency not consistent with disease.

Eurofins Ntd Llc (ga)
Classification: Uncertain significance. Last evaluated: 2016-01-28. Review status: criteria provided, single submitter. Criteria: EGL Classification Definitions 2015. Collection method: clinical testing. Allele origin: germline. Observed: 1 variant allele, 1 heterozygote.

PreventionGenetics, part of Exact Sciences
Classification: Likely benign for SCN9A-related condition. Last evaluated: 2019-07-16. Review status: no assertion criteria provided. Collection method: clinical testing. Allele origin: germline. Not counted in ClinVar's aggregate classification.
Comment: This variant is classified as likely benign based on ACMG/AMP sequence variant interpretation guidelines (Richards et al. 2015 PMID: 25741868, with internal and published modifications).